The following is an entry in ClinVar:

NM_006267.5(RANBP2):c.3419C>T (p.Ser1140Leu)

Gene: RANBP2 (RAN binding protein 2; plus strand). Cytogenetic location: 2q13.
Variant type: single nucleotide variant.
Coding change: c.3419C>T on transcript NM_006267.5 (MANE Select); coding-DNA position 3419, C replaced by T.
Protein change: p.Ser1140Leu; replaces serine 1140 with leucine.
Molecular consequence: missense variant.
Genome position (GRCh38, 1-based): chr2:108,763,958, C>T. VCF-style: chr2-108763958-C-T. GRCh37 (hg19) VCF-style: chr2-109380414-C-T.
Other names: short protein forms S1140L.
Identifiers: ClinVar variation 1055692 (VCV001055692.35), dbSNP rs756874724, ClinGen allele CA1822944.

ClinVar aggregate classification (germline): Conflicting classifications of pathogenicity. Review status: criteria provided, conflicting classifications (1 of 4 stars). 4 submissions from 4 submitters: Uncertain significance (2); Likely benign (2). Last evaluated 2025-09-10.

Conditions:
Familial acute necrotizing encephalopathy (IIAE3). Also called: ENCEPHALOPATHY, ACUTE, INFECTION-INDUCED, SUSCEPTIBILITY TO, 3; Susceptibility to Acute Necrotizing Encephalopathy 1. Identifiers: Orphanet 88619, MedGen C2675556, MONDO:0011953, OMIM 608033.

Allele frequency attached by ClinVar (database versions not stated): ExAC 0.00002; gnomAD exomes 0.00003 and 0.00007; TOPMed 0.00013; gnomAD 0.00014 and 0.00015.
gnomAD v4.1: 68 of 1,613,810 alleles (0.0042%); highest among the groups gnomAD compares: Admixed American, 0.053%; no homozygotes.

Submissions (4):

Genomic Medicine Center of Excellence, King Faisal Specialist Hospital and Research Centre
Classification: Uncertain significance for Familial acute necrotizing encephalopathy. Last evaluated: 2025-09-10. Review status: criteria provided, single submitter. Criteria: ACMG Guidelines, 2015. Collection method: clinical testing. Allele origin: germline.

Blueprint Genetics
Classification: Likely benign. Last evaluated: 2024-09-02. Review status: criteria provided, single submitter. Criteria: ACMG Guidelines, 2015. Collection method: clinical testing. Allele origin: germline.

CeGaT Center for Human Genetics Tuebingen
Classification: Likely benign. Last evaluated: 2022-04-01. Review status: criteria provided, single submitter. Criteria: CeGaT Center For Human Genetics Tuebingen Variant Classification Criteria Version 2. Collection method: clinical testing. Allele origin: germline. Affected: yes. Observed: 1 variant allele.
Comment: RANBP2: BP4

Labcorp Genetics (formerly Invitae), Labcorp
Classification: Uncertain significance for Familial acute necrotizing encephalopathy. Last evaluated: 2020-10-06. Review status: criteria provided, single submitter. Criteria: Invitae Variant Classification Sherloc (09022015). Collection method: clinical testing. Allele origin: germline.
Comment: In summary, the available evidence is currently insufficient to determine the role of this variant in disease. Therefore, it has been classified as a Variant of Uncertain Significance. Algorithms developed to predict the effect of missense changes on protein structure and function are either unavailable or do not agree on the potential impact of this missense change (SIFT: "Deleterious"; PolyPhen-2: "Benign"; Align-GVGD: "Class C65"). This variant has not been reported in the literature in individuals with RANBP2-related conditions. This variant is present in population databases (rs756874724, ExAC 0.005%). This sequence change replaces serine with leucine at codon 1140 of the RANBP2 protein (p.Ser1140Leu). The serine residue is highly conserved and there is a large physicochemical difference between serine and leucine.